The following is an entry in ClinVar:

ClinVar aggregate classification (germline): Uncertain significance (1 of 4 stars; one submission).

Submission:

GeneDx
Classification: Uncertain significance. Last evaluated: 2023-07-06. Review status: criteria provided, single submitter. Criteria: GeneDx Variant Classification Process June 2021. Collection method: clinical testing. Allele origin: germline. Affected: yes.
Comment: Not observed at significant frequency in large population cohorts (gnomAD); In silico analysis supports that this missense variant does not alter protein structure/function; Has not been previously published as pathogenic or benign to our knowledge

NM_018489.3(ASH1L):c.5674A>C (p.Thr1892Pro)

Gene: ASH1L (ASH1 like histone lysine methyltransferase; minus strand). Cytogenetic location: 1q22.
Variant type: single nucleotide variant.
Coding change: c.5674A>C on transcript NM_018489.3 (MANE Select); coding-DNA position 5674, A replaced by C.
Protein change: p.Thr1892Pro; replaces threonine 1892 with proline.
Molecular consequence: missense variant.
Genome position (GRCh38, 1-based): chr1:155,438,481, T>G on the plus strand (A>C on the coding strand, the complement: ASH1L is on the minus strand). VCF-style: chr1-155438481-T-G. GRCh37 (hg19) VCF-style: chr1-155408272-T-G.
Other names: c.5674A>C, p.Thr1892Pro (NM_001366177.2); short protein forms T1892P.
Identifiers: ClinVar variation 3360649 (VCV003360649.1).